The following is an entry in ClinVar:

ClinVar aggregate classification (germline): Uncertain significance (1 of 4 stars; one submission).

Conditions:
Diamond-Blackfan anemia. Also called: Blackfan Diamond syndrome; Aregenerative anemia chronic congenital; Red cell aplasia, pure hereditary; Congenital hypoplastic anemia; Aase syndrome. Identifiers: Orphanet 124, MedGen C1260899, MeSH D029503, MONDO:0015253, HP:0004810.

Submission:

Labcorp Genetics (formerly Invitae), Labcorp
Classification: Uncertain significance for Diamond-Blackfan anemia. Last evaluated: 2022-01-28. Review status: criteria provided, single submitter. Criteria: Invitae Variant Classification Sherloc (09022015). Collection method: clinical testing. Allele origin: germline.
Comment: In summary, the available evidence is currently insufficient to determine the role of this variant in disease. Therefore, it has been classified as a Variant of Uncertain Significance. Algorithms developed to predict the effect of missense changes on protein structure and function (SIFT, PolyPhen-2, Align-GVGD) all suggest that this variant is likely to be disruptive. This variant has not been reported in the literature in individuals affected with RPL26-related conditions. This variant is not present in population databases (gnomAD no frequency). This sequence change replaces lysine, which is basic and polar, with isoleucine, which is neutral and non-polar, at codon 36 of the RPL26 protein (p.Lys36Ile).

NM_000987.5(RPL26):c.107A>T (p.Lys36Ile)

Gene: RPL26 (ribosomal protein L26; minus strand). Cytogenetic location: 17p13.1.
Variant type: single nucleotide variant.
Coding change: c.107A>T on transcript NM_000987.5 (MANE Select); coding-DNA position 107, A replaced by T.
Protein change: p.Lys36Ile; replaces lysine 36 with isoleucine.
Molecular consequence: missense variant.
Genome position (GRCh38, 1-based): chr17:8,382,204, T>A on the plus strand (A>T on the coding strand, the complement: RPL26 is on the minus strand). VCF-style: chr17-8382204-T-A. GRCh37 (hg19) VCF-style: chr17-8285522-T-A.
Other names: c.107A>T, p.Lys36Ile (NM_001315530.2, NM_001315531.2); short protein forms K36I.
Identifiers: ClinVar variation 2090607 (VCV002090607.4), dbSNP rs750487561, ClinGen allele CA398017258.